The following is an entry in ClinVar:

ClinVar aggregate classification (germline): Uncertain significance (1 of 4 stars; one submission).

Conditions:
Hereditary cancer-predisposing syndrome. Also called: Tumor predisposition; Hereditary Cancer Syndrome; Neoplastic Syndromes, Hereditary; Hereditary neoplastic syndrome. Identifiers: Orphanet 140162, MedGen C0027672, MeSH D009386, MONDO:0015356.

Submission:

Ambry Genetics
Classification: Uncertain significance for Hereditary cancer-predisposing syndrome. Last evaluated: 2022-04-05. Review status: criteria provided, single submitter. Criteria: Ambry Variant Classification Scheme 2023. Collection method: clinical testing. Allele origin: germline.
Comment: The p.T337P variant (also known as c.1009A>C), located in coding exon 9 of the NBN gene, results from an A to C substitution at nucleotide position 1009. The threonine at codon 337 is replaced by proline, an amino acid with highly similar properties. This amino acid position is conserved. In addition, this alteration is predicted to be tolerated by in silico analysis. Since supporting evidence is limited at this time, the clinical significance of this alteration remains unclear.

NM_002485.5(NBN):c.1009A>C (p.Thr337Pro)

Gene: NBN (nibrin; minus strand). Cytogenetic location: 8q21.3.
Variant type: single nucleotide variant.
Coding change: c.1009A>C on transcript NM_002485.5 (MANE Select); coding-DNA position 1009, A replaced by C.
Protein change: p.Thr337Pro; replaces threonine 337 with proline.
Molecular consequence: missense variant.
Genome position (GRCh38, 1-based): chr8:89,958,840, T>G on the plus strand (A>C on the coding strand, the complement: NBN is on the minus strand). VCF-style: chr8-89958840-T-G. GRCh37 (hg19) VCF-style: chr8-90971068-T-G.
Other names: c.763A>C, p.Thr255Pro (NM_001024688.3); short protein forms T255P, T337P.
Identifiers: ClinVar variation 1793848 (VCV001793848.2), dbSNP rs1554560492, ClinGen allele CA371656795.